The following is an entry in ClinVar:

ClinVar aggregate classification (germline): Uncertain significance (1 of 4 stars; one submission).

Allele frequency attached by ClinVar (database versions not stated): ExAC 0.00001; ESP Exome Variant Server 0.00008.
gnomAD v4.1: 22 of 1,614,014 alleles (0.0014%); highest among the groups gnomAD compares: East Asian, 0.0045%; no homozygotes.

Submission:

Labcorp Genetics (formerly Invitae), Labcorp
Classification: Uncertain significance. Last evaluated: 2023-07-15. Review status: criteria provided, single submitter. Criteria: Invitae Variant Classification Sherloc (09022015). Collection method: clinical testing. Allele origin: germline.
Comment: In summary, the available evidence is currently insufficient to determine the role of this variant in disease. Therefore, it has been classified as a Variant of Uncertain Significance. Advanced modeling of protein sequence and biophysical properties (such as structural, functional, and spatial information, amino acid conservation, physicochemical variation, residue mobility, and thermodynamic stability) performed at Invitae indicates that this missense variant is not expected to disrupt GABRB1 protein function. This variant has not been reported in the literature in individuals affected with GABRB1-related conditions. This variant is present in population databases (rs370421589, gnomAD 0.0009%). This sequence change replaces alanine, which is neutral and non-polar, with threonine, which is neutral and polar, at codon 417 of the GABRB1 protein (p.Ala417Thr).

NM_000812.4(GABRB1):c.1249G>A (p.Ala417Thr)

Gene: GABRB1 (gamma-aminobutyric acid type A receptor subunit beta1; plus strand). Cytogenetic location: 4p12.
Variant type: single nucleotide variant.
Coding change: c.1249G>A on transcript NM_000812.4 (MANE Select); coding-DNA position 1249, G replaced by A.
Protein change: p.Ala417Thr; replaces alanine 417 with threonine.
Molecular consequence: missense variant.
Genome position (GRCh38, 1-based): chr4:47,425,842, G>A. VCF-style: chr4-47425842-G-A. GRCh37 (hg19) VCF-style: chr4-47427859-G-A.
Other names: short protein forms A417T.
Identifiers: ClinVar variation 2958998 (VCV002958998.3), dbSNP rs370421589, ClinGen allele CA2907789.
Genomic context (GRCh38, chr4:47,425,842, plus strand): 5'-TATGACAGCGCCAGCATCCAGTACCGCAAGCCCCTGAGCAGCCGCGAGGCCTACGGGCGC[G>A]CCCTGGACCGGCACGGGGTACCCAGCAAGGGGCGCATCCGCAGGCGTGCCTCCCAGCTCA-3'
Protein context (NP_000803.2, residues 407-427): PLSSREAYGR[Ala417Thr]LDRHGVPSKG